The following is an entry in ClinVar:

NM_001852.4(COL9A2):c.1396G>A (p.Gly466Arg)

Gene: COL9A2 (collagen type IX alpha 2 chain; minus strand). Cytogenetic location: 1p34.2.
Variant type: single nucleotide variant.
Coding change: c.1396G>A on transcript NM_001852.4 (MANE Select); coding-DNA position 1396, G replaced by A.
Protein change: p.Gly466Arg; replaces glycine 466 with arginine.
Molecular consequence: missense variant.
Genome position (GRCh38, 1-based): chr1:40,303,812, C>T on the plus strand (G>A on the coding strand, the complement: COL9A2 is on the minus strand). VCF-style: chr1-40303812-C-T. GRCh37 (hg19) VCF-style: chr1-40769484-C-T.
Other names: short protein forms G466R.
Identifiers: ClinVar variation 3368884 (VCV003368884.3).

ClinVar aggregate classification (germline): Uncertain significance. Review status: criteria provided, multiple submitters, no conflicts (2 of 4 stars). 2 submissions from 2 submitters: Uncertain significance (2). Last evaluated 2024-08-20.

gnomAD v4.1: 2 of 1,563,974 alleles (0.00013%); highest among the groups gnomAD compares: African/African-American, 0.0027%; no homozygotes.

Submissions (2):

Labcorp Genetics (formerly Invitae), Labcorp
Classification: Uncertain significance. Last evaluated: 2024-08-20. Review status: criteria provided, single submitter. Criteria: Invitae Variant Classification Sherloc (09022015). Collection method: clinical testing. Allele origin: germline.
Comment: This sequence change replaces glycine, which is neutral and non-polar, with arginine, which is basic and polar, at codon 466 of the COL9A2 protein (p.Gly466Arg). This variant is present in population databases (no rsID available, gnomAD 0.01%). This variant has not been reported in the literature in individuals affected with COL9A2-related conditions. Invitae Evidence Modeling of protein sequence and biophysical properties (such as structural, functional, and spatial information, amino acid conservation, physicochemical variation, residue mobility, and thermodynamic stability) indicates that this missense variant is expected to disrupt COL9A2 protein function with a positive predictive value of 95%. In summary, the available evidence is currently insufficient to determine the role of this variant in disease. Therefore, it has been classified as a Variant of Uncertain Significance.

GeneDx
Classification: Uncertain significance. Last evaluated: 2024-02-05. Review status: criteria provided, single submitter. Criteria: GeneDx Variant Classification Process June 2021. Collection method: clinical testing. Allele origin: germline. Affected: yes.
Comment: Has not been previously published as pathogenic or benign to our knowledge; Not observed at significant frequency in large population cohorts (gnomAD); In silico analysis supports that this missense variant has a deleterious effect on protein structure/function